The following is an entry in ClinVar:

ClinVar aggregate classification (germline): Uncertain significance (1 of 4 stars; one submission).

Conditions:
Long QT syndrome (LQTS). Identifiers: MedGen C0023976, MeSH D008133, MONDO:0002442. Disease mechanism: loss of function. Inheritance: Various modes of inheritance.

Submission:

Labcorp Genetics (formerly Invitae), Labcorp
Classification: Uncertain significance for Long QT syndrome. Last evaluated: 2024-04-30. Review status: criteria provided, single submitter. Criteria: Invitae Variant Classification Sherloc (09022015). Collection method: clinical testing. Allele origin: germline.
Comment: This sequence change replaces glutamine, which is neutral and polar, with arginine, which is basic and polar, at codon 68 of the KCNJ5 protein (p.Gln68Arg). This variant is not present in population databases (gnomAD no frequency). This variant has not been reported in the literature in individuals affected with KCNJ5-related conditions. Advanced modeling of protein sequence and biophysical properties (such as structural, functional, and spatial information, amino acid conservation, physicochemical variation, residue mobility, and thermodynamic stability) performed at Invitae indicates that this missense variant is not expected to disrupt KCNJ5 protein function with a negative predictive value of 80%. In summary, the available evidence is currently insufficient to determine the role of this variant in disease. Therefore, it has been classified as a Variant of Uncertain Significance.

NM_000890.5(KCNJ5):c.203A>G (p.Gln68Arg)

Gene: KCNJ5 (potassium inwardly rectifying channel subfamily J member 5; plus strand). Cytogenetic location: 11q24.3.
Variant type: single nucleotide variant.
Coding change: c.203A>G on transcript NM_000890.5 (MANE Select); coding-DNA position 203, A replaced by G.
Protein change: p.Gln68Arg; replaces glutamine 68 with arginine.
Molecular consequence: missense variant.
Genome position (GRCh38, 1-based): chr11:128,911,476, A>G. VCF-style: chr11-128911476-A-G. GRCh37 (hg19) VCF-style: chr11-128781371-A-G.
Other names: c.203A>G, p.Gln68Arg (NM_001354169.2); short protein forms Q68R.
Identifiers: ClinVar variation 3651734 (VCV003651734.2).
Genomic context (GRCh38, chr11:128,911,476, plus strand): 5'-AGCCACGCCAGCGCTACATGGAGAAGAGTGGCAAGTGCAACGTGCACCACGGCAACGTCC[A>G]GGAGACCTACCGGTACCTGAGTGACCTCTTCACCACCCTGGTGGACCTCAAGTGGCGCTT-3'
Protein context (NP_000881.3, residues 58-78): GKCNVHHGNV[Gln68Arg]ETYRYLSDLF